The following is an entry in ClinVar:

NM_001384474.1(LOXHD1):c.3166G>A (p.Glu1056Lys)

Gene: LOXHD1 (lipoxygenase homology PLAT domains 1; minus strand). Cytogenetic location: 18q21.1.
Variant type: single nucleotide variant.
Coding change: c.3166G>A on transcript NM_001384474.1 (MANE Select); coding-DNA position 3166, G replaced by A.
Protein change: p.Glu1056Lys; replaces glutamic acid 1056 with lysine.
Molecular consequence: missense variant.
Genome position (GRCh38, 1-based): chr18:46,559,498, C>T on the plus strand (G>A on the coding strand, the complement: LOXHD1 is on the minus strand). VCF-style: chr18-46559498-C-T. GRCh37 (hg19) VCF-style: chr18-44139461-C-T.
Other names: c.3166G>A, p.Glu1056Lys (NM_144612.7); short protein forms E1056K.
Identifiers: ClinVar variation 228823 (VCV000228823.7), dbSNP rs200260213, ClinGen allele CA8952550.

ClinVar aggregate classification (germline): Uncertain significance. Review status: criteria provided, multiple submitters, no conflicts (2 of 4 stars). 4 submissions from 4 submitters: Uncertain significance (3). 1 of the submissions does not count toward it. Last evaluated 2026-05-15.

Conditions:
LOXHD1-related disorder. Also called: LOXHD1-related condition.
Autosomal recessive nonsyndromic hearing loss 77. Identifiers: Orphanet 90636, MedGen C2746083, MONDO:0013119, OMIM 613079.

Allele frequency attached by ClinVar (database versions not stated): ExAC 0.00004; gnomAD exomes 0.00006; TOPMed 0.00009; gnomAD 0.00013 and 0.00014; ESP Exome Variant Server 0.00044.
gnomAD v4.1: 128 of 1,551,880 alleles (0.0082%); highest among the groups gnomAD compares: Middle Eastern, 0.017%; no homozygotes.

Submissions (4):

PreventionGenetics, part of Exact Sciences
Classification: Uncertain significance for LOXHD1-related condition. Last evaluated: 2026-05-15. Review status: criteria provided, single submitter. Criteria: ACMG Guidelines, 2015. Collection method: clinical testing. Allele origin: germline.
Comment: The LOXHD1 c.3166G>A variant is predicted to result in the amino acid substitution p.Glu1056Lys. To our knowledge, this variant has not been reported in the literature. This variant is reported in 0.011% of alleles in individuals of African descent in gnomAD. At this time, the clinical significance of this variant is uncertain due to the absence of conclusive functional and genetic evidence.

Blueprint Genetics
Classification: Uncertain significance. Last evaluated: 2024-02-23. Review status: criteria provided, single submitter. Criteria: ACMG Guidelines, 2015. Collection method: clinical testing. Allele origin: germline.

Laboratory for Molecular Medicine, Mass General Brigham Personalized Medicine
Classification: Uncertain significance. Last evaluated: 2017-12-15. Review status: criteria provided, single submitter. Criteria: LMM Criteria. Collection method: clinical testing. Allele origin: germline. Observed: 2 variant alleles.
Comment: The p.Glu1056Lys variant in LOXHD1 has now been identified by our laboratory in 2 individuals with hearing loss, neither of whom had a second LOXHD1 variant. Th is variant has been identified in 6/73530 (0.008%) European chromosomes by the G enome Aggregation Database (gnomAD; dbSNP rs20 0260213). Although this variant has been seen in the general population, its fre quency is not high enough to rule out a pathogenic role. Computational predictio n tools and conservation analysis suggest that the p.Glu1056Lys variant may impa ct the protein, though this information is not predictive enough to determine pa thogenicity. In summary, the clinical significance of the p.Glu1056Lys variant i s uncertain. ACMG/AMP Criteria applied: PP3.

Natera, Inc.
Classification: Uncertain significance for Autosomal recessive deafness type 77. Last evaluated: 2019-10-28. Review status: no assertion criteria provided. Collection method: clinical testing. Allele origin: germline. Not counted in ClinVar's aggregate classification.